The following is an entry in ClinVar:

NM_015631.6(TCTN3):c.735A>G (p.Ala245=)

Gene: TCTN3 (tectonic family member 3; minus strand). Cytogenetic location: 10q24.1.
Variant type: single nucleotide variant.
Coding change: c.735A>G on transcript NM_015631.6 (MANE Select); coding-DNA position 735, A replaced by G.
Protein change: p.Ala245=; no amino-acid change (alanine 245 retained).
Molecular consequence: synonymous variant. On other transcripts: intron variant (1).
Genome position (GRCh38, 1-based): chr10:95,687,248, T>C on the plus strand (A>G on the coding strand, the complement: TCTN3 is on the minus strand). VCF-style: chr10-95687248-T-C. GRCh37 (hg19) VCF-style: chr10-97447005-T-C.
Other names: c.500-89A>G (NM_001143973.2).
Identifiers: ClinVar variation 1504596 (VCV001504596.6), dbSNP rs2097949239, ClinGen allele CA471021816.

ClinVar aggregate classification (germline): Uncertain significance (1 of 4 stars; one submission).

Conditions:
Joubert syndrome 18 (JBTS18). Identifiers: Orphanet 2754, MedGen C3553758, MONDO:0013896, OMIM 614815.
Orofacial-digital syndrome IV (OFD4). Also called: Orofaciodigital syndrome IV; BARAITSER-BURN SYNDROME; MOHR-MAJEWSKI SYNDROME; OFD SYNDROME WITH TIBIAL DEFECTS; OFD SYNDROME, BARAITSER-BURN TYPE; OFDS IV. Identifiers: Orphanet 2753, MedGen C0406727, MONDO:0009794, OMIM 258860.

Allele frequency attached by ClinVar (database versions not stated): gnomAD exomes below 0.00001; TOPMed below 0.00001.
gnomAD v4.1: 3 of 1,613,830 alleles (0.00019%); highest among the groups gnomAD compares: Non-Finnish European, 0.00025%; no homozygotes.

Submission:

Labcorp Genetics (formerly Invitae), Labcorp
Classification: Uncertain significance for Joubert syndrome 18; Orofacial-digital syndrome IV. Last evaluated: 2021-11-28. Review status: criteria provided, single submitter. Criteria: Invitae Variant Classification Sherloc (09022015). Collection method: clinical testing. Allele origin: germline.
Comment: In summary, the available evidence is currently insufficient to determine the role of this variant in disease. Therefore, it has been classified as a Variant of Uncertain Significance. Algorithms developed to predict the effect of sequence changes on RNA splicing suggest that this variant may disrupt the consensus splice site. This variant has not been reported in the literature in individuals affected with TCTN3-related conditions. This variant is not present in population databases (gnomAD no frequency). This sequence change affects codon 245 of the TCTN3 mRNA. It is a 'silent' change, meaning that it does not change the encoded amino acid sequence of the TCTN3 protein. It affects a nucleotide within the consensus splice site.